The following is an entry in ClinVar:

NC_000004.11:g.(?_13371500)_(13546038_?)del

Genes: NKX3-2 (NK3 homeobox 2; minus strand), RAB28 (RAB28, member RAS oncogene family; minus strand). Cytogenetic location: 4p15.33.
Variant type: Deletion.
Identifiers: ClinVar variation 2425047 (VCV002425047.4).

ClinVar aggregate classification (germline): Pathogenic (1 of 4 stars; one submission).

Submission:

Labcorp Genetics (formerly Invitae), Labcorp
Classification: Pathogenic. Last evaluated: 2023-04-12. Review status: criteria provided, single submitter. Criteria: Invitae Variant Classification Sherloc (09022015). Collection method: clinical testing. Allele origin: germline.
Comment: For these reasons, this variant has been classified as Pathogenic. This variant has not been reported in the literature in individuals affected with RAB28-related conditions. A gross deletion of the genomic region encompassing the full coding sequence of the RAB28 gene has been identified. Loss-of-function variants in RAB28 are known to be pathogenic (PMID: 23746546, 25356532, 27529348). The boundaries of this event are unknown as they extend beyond the assayed region for this gene and therefore may encompass additional genes.

Literature cited by the submitters: PubMed 23746546; PubMed 25356532; PubMed 27529348.